The following is an entry in ClinVar:

NM_001288705.3(CSF1R):c.1897G>A (p.Glu633Lys)

Gene: CSF1R (colony stimulating factor 1 receptor; minus strand). Cytogenetic location: 5q32.
Variant type: single nucleotide variant.
Coding change: c.1897G>A on transcript NM_001288705.3 (MANE Select); coding-DNA position 1897, G replaced by A.
Protein change: p.Glu633Lys; replaces glutamic acid 633 with lysine.
Molecular consequence: missense variant. On other transcripts: non-coding transcript variant (2).
Genome position (GRCh38, 1-based): chr5:150,060,934, C>T on the plus strand (G>A on the coding strand, the complement: CSF1R is on the minus strand). VCF-style: chr5-150060934-C-T. GRCh37 (hg19) VCF-style: chr5-149440497-C-T.
Other names: c.1897G>A, p.Glu633Lys (NM_001349736.2, NM_001375320.1, NM_005211.4); c.1453G>A, p.Glu485Lys (NM_001375321.1); short protein forms E633K, E485K.
Identifiers: ClinVar variation 29811 (VCV000029811.10), dbSNP rs281860269, ClinGen allele CA342706.

ClinVar aggregate classification (germline): Pathogenic/Likely pathogenic. Review status: criteria provided, multiple submitters, no conflicts (2 of 4 stars). 4 submissions from 4 submitters: Pathogenic (2); Likely pathogenic (1). 1 of the submissions does not count toward it. Last evaluated 2025-04-07.

Conditions:
Leukoencephalopathy, diffuse hereditary, with spheroids 1 (HDLS1). Also called: DEMENTIA, FAMILIAL, NEUMANN TYPE; SUBCORTICAL GLIOSIS OF NEUMANN; CSF1R-related adult-onset leukoencephalopathy with axonal spheroids and pigmented glia. Identifiers: Orphanet 313808, MedGen C5561929, MONDO:0800027, OMIM 221820.
Hereditary diffuse leukoencephalopathy with spheroids. Also called: LEUKOENCEPHALOPATHY, ADULT-ONSET, WITH AXONAL SPHEROIDS AND PIGMENTED GLIA. Identifiers: Orphanet 313808, MedGen C3711381, MONDO:0030796.

Allele frequency attached by ClinVar (database versions not stated): TOPMed 0.00001.

Submissions (4):

Department of Human Genetics, Hannover Medical School
Classification: Pathogenic for Leukoencephalopathy, diffuse hereditary, with spheroids 1. Last evaluated: 2025-04-07. Review status: criteria provided, single submitter. Criteria: ACMG Guidelines, 2015. Collection method: clinical testing. Allele origin: germline. Affected: yes.
Comment: ACMG: PS3_Supporting, PS4_Moderate, PM2_Supporting, PP1_Moderate, PP3_Strong

Labcorp Genetics (formerly Invitae), Labcorp
Classification: Pathogenic. Last evaluated: 2024-07-11. Review status: criteria provided, single submitter. Criteria: Invitae Variant Classification Sherloc (09022015). Collection method: clinical testing. Allele origin: germline.
Comment: This sequence change replaces glutamic acid, which is acidic and polar, with lysine, which is basic and polar, at codon 633 of the CSF1R protein (p.Glu633Lys). This variant is not present in population databases (gnomAD no frequency). This missense change has been observed in individuals with clinical features of hereditary diffuse leukoencephalopathy with spheroids (PMID: 22197934, 25935893, 32430064; Invitae). It has also been observed to segregate with disease in related individuals. ClinVar contains an entry for this variant (Variation ID: 29811). Advanced modeling of protein sequence and biophysical properties (such as structural, functional, and spatial information, amino acid conservation, physicochemical variation, residue mobility, and thermodynamic stability) has been performed at Invitae for this missense variant, however the output from this modeling did not meet the statistical confidence thresholds required to predict the impact of this variant on CSF1R protein function. Experimental studies have shown that this missense change affects CSF1R function (PMID: 22197934, 24120500). For these reasons, this variant has been classified as Pathogenic.

GeneDx
Classification: Likely pathogenic. Last evaluated: 2021-12-09. Review status: criteria provided, single submitter. Criteria: GeneDx Variant Classification Process June 2021. Collection method: clinical testing. Allele origin: germline. Affected: yes.
Comment: Previously reported in association with hereditary diffuse leukoencephalopathy with spheroids, but familial segregation information was not provided (Rademakers et al., 2011; Lynch et al., 2016; Bayat et al., 2019); Published functional studies demonstrate this variant inhibits autophosphorylation (Pridans et al., 2013; Rademakers et al., 2011); Not observed at significant frequency in large population cohorts (Lek et al., 2016); In silico analysis supports that this missense variant has a deleterious effect on protein structure/function; This variant is associated with the following publications: (PMID: 24120500, 24145216, 22197934, 25935893, 30747335, 32430064, 34145972, 33866445)

OMIM
Classification: Pathogenic for LEUKOENCEPHALOPATHY, HEREDITARY DIFFUSE, WITH SPHEROIDS. Last evaluated: 2011-12-25. Review status: no assertion criteria provided. Collection method: literature only. Allele origin: germline. Not counted in ClinVar's aggregate classification.

Literature cited by the submitters: PubMed 22197934 (cited by Labcorp Genetics (formerly Invitae), Labcorp and OMIM); PubMed 25935893 (cited by Labcorp Genetics (formerly Invitae), Labcorp); PubMed 32430064 (cited by Labcorp Genetics (formerly Invitae), Labcorp); PubMed 24120500 (cited by Labcorp Genetics (formerly Invitae), Labcorp); PubMed 16523341 (cited by OMIM).